The following is an entry in ClinVar:

NM_001379081.2(FREM1):c.456A>G (p.Gln152=)

Gene: FREM1 (FRAS1 related extracellular matrix 1; minus strand). Cytogenetic location: 9p22.3.
Variant type: single nucleotide variant.
Coding change: c.456A>G on transcript NM_001379081.2 (MANE Select); coding-DNA position 456, A replaced by G.
Protein change: p.Gln152=; no amino-acid change (glutamine 152 retained).
Molecular consequence: synonymous variant. On other transcripts: non-coding transcript variant (4).
Genome position (GRCh38, 1-based): chr9:14,859,358, T>C on the plus strand (A>G on the coding strand, the complement: FREM1 is on the minus strand). VCF-style: chr9-14859358-T-C. GRCh37 (hg19) VCF-style: chr9-14859356-T-C.
Other names: p.Gln152=; c.456A>G, p.Gln152= (NM_001370060.1, NM_001370063.1, NM_001370065.1 and 1 more transcripts).
Identifiers: ClinVar variation 366172 (VCV000366172.17), dbSNP rs10961757, ClinGen allele CA4991572.

ClinVar aggregate classification (germline): Benign. Review status: criteria provided, multiple submitters, no conflicts (2 of 4 stars). 6 submissions from 6 submitters: Benign (6). Last evaluated 2026-02-03.

Conditions:
Oculotrichoanal syndrome (MOTA). Also called: MARLES SYNDROME; Manitoba Oculotrichoanal (MOTA) Syndrome. Identifiers: Orphanet 2717, MedGen C1855425, MONDO:0009560, OMIM 248450.

Allele frequency attached by ClinVar (database versions not stated): ESP Exome Variant Server 0.15076; gnomAD 0.17917 and 0.18375; TOPMed 0.19034; ExAC 0.21001; gnomAD exomes 0.21844; 1000 Genomes Project 30x 0.24625; 1000 Genomes Project 0.24840.
gnomAD v4.1: 283,274 of 1,613,536 alleles (18%); highest among the groups gnomAD compares: East Asian, 57%; 29,942 homozygotes.

Submissions (11):

Labcorp Genetics (formerly Invitae), Labcorp
Classification: Benign. Last evaluated: 2026-02-03. Review status: criteria provided, single submitter. Criteria: Invitae Variant Classification Sherloc (09022015). Collection method: clinical testing. Allele origin: germline.

Blueprint Genetics
Classification: Benign. Last evaluated: 2024-11-27. Review status: criteria provided, single submitter. Criteria: ACMG Guidelines, 2015. Collection method: clinical testing. Allele origin: germline.

Mayo Clinic Laboratories, Mayo Clinic
Classification: Benign. Last evaluated: 2022-03-09. Review status: criteria provided, single submitter. Criteria: ACMG Guidelines, 2015. Collection method: clinical testing. Allele origin: germline. Observed: 24 variant alleles.

GeneDx
Classification: Benign. Last evaluated: 2021-05-04. Review status: criteria provided, single submitter. Criteria: GeneDx Variant Classification Process June 2021. Collection method: clinical testing. Allele origin: germline. Affected: yes.

Illumina Laboratory Services, Illumina
Classification: Benign for Oculotrichoanal syndrome. Last evaluated: 2018-01-12. Review status: criteria provided, single submitter. Criteria: ICSL Variant Classification Criteria 13 December 2019. Collection method: clinical testing. Allele origin: germline.
Comment: This variant was observed in the ICSL laboratory as part of a predisposition screen in an ostensibly healthy population. It had not been previously curated by ICSL or reported in the Human Gene Mutation Database (HGMD: prior to June 1st, 2018), and was therefore a candidate for classification through an automated scoring system. Utilizing variant allele frequency, disease prevalence and penetrance estimates, and inheritance mode, an automated score was calculated to assess if this variant is too frequent to cause the disease. Based on the score and internal cut-off values, a variant classified as benign is not then subjected to further curation. The score for this variant resulted in a classification of benign for this disease.

Breakthrough Genomics
Classification: Benign. Review status: criteria provided, single submitter. Criteria: ACMG Guidelines, 2015. Collection method: not provided. Allele origin: germline. Inheritance: Autosomal recessive inheritance. Affected: yes.

Dr. Peter K. Rogan Lab, Western University
No classification provided (evidence only). Condition: Colorectal cancer. Review status: no classification provided. Collection method: in vitro. Allele origin: not applicable. Functional consequence: retained intron. Not counted in ClinVar's aggregate classification.

Dr. Peter K. Rogan Lab, Western University
No classification provided (evidence only). Condition: Colorectal cancer. Review status: no classification provided. Collection method: in vitro. Allele origin: not applicable. Functional consequence: retained intron. Not counted in ClinVar's aggregate classification.

Dr. Peter K. Rogan Lab, Western University
No classification provided (evidence only). Condition: Colorectal cancer. Review status: no classification provided. Collection method: in vitro. Allele origin: not applicable. Functional consequence: skipped exon, retained intron. Not counted in ClinVar's aggregate classification.

Dr. Peter K. Rogan Lab, Western University
No classification provided (evidence only). Condition: Uterine carcinosarcoma. Review status: no classification provided. Collection method: in vitro. Allele origin: not applicable. Functional consequence: retained intron. Not counted in ClinVar's aggregate classification.

Dr. Peter K. Rogan Lab, Western University
No classification provided (evidence only). Condition: Uterine carcinosarcoma. Review status: no classification provided. Collection method: in vitro. Allele origin: not applicable. Functional consequence: retained intron. Not counted in ClinVar's aggregate classification.